The following is an entry in ClinVar:

NM_001384474.1(LOXHD1):c.2279G>A (p.Gly760Asp)

Gene: LOXHD1 (lipoxygenase homology PLAT domains 1; minus strand). Cytogenetic location: 18q21.1.
Variant type: single nucleotide variant.
Coding change: c.2279G>A on transcript NM_001384474.1 (MANE Select); coding-DNA position 2279, G replaced by A.
Protein change: p.Gly760Asp; replaces glycine 760 with aspartic acid.
Molecular consequence: missense variant.
Genome position (GRCh38, 1-based): chr18:46,566,415, C>T on the plus strand (G>A on the coding strand, the complement: LOXHD1 is on the minus strand). VCF-style: chr18-46566415-C-T. GRCh37 (hg19) VCF-style: chr18-44146378-C-T.
Other names: c.2279G>A, p.Gly760Asp (NM_144612.7); short protein forms G760D.
Identifiers: ClinVar variation 3767854 (VCV003767854.2).

ClinVar aggregate classification (germline): Uncertain significance. Review status: criteria provided, multiple submitters, no conflicts (2 of 4 stars). 2 submissions from 2 submitters: Uncertain significance (2). Last evaluated 2025-08-30.

Conditions:
Inborn genetic diseases. Identifiers: MedGen C0950123, MeSH D030342.
Autosomal dominant nonsyndromic hearing loss. Also called: Rare autosomal dominant non-syndromic sensorineural deafness type DFNA. Identifiers: Orphanet 90635, MedGen C5779548, MONDO:0019587.

gnomAD v4.1: 8 of 1,551,030 alleles (0.00052%); highest among the groups gnomAD compares: Middle Eastern, 0.033%; no homozygotes.

Submissions (2):

Ambry Genetics
Classification: Uncertain significance for Inborn genetic diseases. Last evaluated: 2025-08-30. Review status: criteria provided, single submitter. Criteria: Ambry Variant Classification Scheme 2023. Collection method: clinical testing. Allele origin: germline.

Center for Statistical Genetics, Columbia University
Classification: Uncertain significance for Autosomal dominant nonsyndromic hearing loss. Last evaluated: 2025-01-14. Review status: criteria provided, single submitter. Criteria: ACMG Guidelines, 2015. Collection method: research. Allele origin: germline. Inheritance: Autosomal dominant inheritance. Affected: yes. Observed: 2 heterozygotes.
Comment: We identified this heterozygous variant segregating in multiple affected with autosomal dominant nonsyndromic deafness. Allele frequency is extremely low in all databases.The variant was classified based on the ACMG/AMP criteria, using the evidences PP1